The following is an entry in ClinVar:

ClinVar aggregate classification (germline): Likely benign. Review status: criteria provided, multiple submitters, no conflicts (2 of 4 stars). 2 submissions from 2 submitters: Likely benign (2). Last evaluated 2025-10-01.

Conditions:
AFF4-related disorder. Also called: AFF4-related condition.
Cognitive impairment - coarse facies - heart defects - obesity - pulmonary involvement - short stature - skeletal dysplasia syndrome. Also called: AFF4-Related CHOPS Syndrome; COGNITIVE IMPAIRMENT, COARSE FACIES, HEART DEFECTS, OBESITY, PULMONARY INVOLVEMENT, SHORT STATURE, AND SKELETAL DYSPLASIA; Chops syndrome. Identifiers: Orphanet 444077, MedGen C4085597, MONDO:0014609, OMIM 616368.

gnomAD v4.1: 9 of 1,609,990 alleles (0.00056%); highest among the groups gnomAD compares: African/African-American, 0.012%; no homozygotes.

Submissions (2):

PreventionGenetics, part of Exact Sciences
Classification: Likely benign for AFF4-related condition. Last evaluated: 2025-10-01. Review status: criteria provided, single submitter. Criteria: ACMG Guidelines, 2015. Collection method: clinical testing. Allele origin: germline.
Comment: This variant is classified as likely benign based on ACMG/AMP sequence variant interpretation guidelines (Richards et al. 2015 PMID: 25741868, with internal and published modifications).

Labcorp Genetics (formerly Invitae), Labcorp
Classification: Likely benign for Cognitive impairment - coarse facies - heart defects - obesity - pulmonary involvement - short stature - skeletal dysplasia syndrome. Last evaluated: 2025-07-03. Review status: criteria provided, single submitter. Criteria: Invitae Variant Classification Sherloc (09022015). Collection method: clinical testing. Allele origin: germline.

NM_014423.4(AFF4):c.2934-5A>C

Gene: AFF4 (ALF transcription elongation factor 4; minus strand). Cytogenetic location: 5q31.1.
Variant type: single nucleotide variant.
Coding change: c.2934-5A>C on transcript NM_014423.4 (MANE Select); 5 bases into the intron before coding-DNA position 2934, A replaced by C.
Molecular consequence: intron variant.
Genome position (GRCh38, 1-based): chr5:132,887,597, T>G on the plus strand (A>C on the coding strand, the complement: AFF4 is on the minus strand). VCF-style: chr5-132887597-T-G. GRCh37 (hg19) VCF-style: chr5-132223289-T-G.
Other names: c.2934-5A>C (NM_014423.3).
Identifiers: ClinVar variation 4760190 (VCV004760190.2).